The following is an entry in ClinVar:

ClinVar aggregate classification (germline): Conflicting classifications of pathogenicity. Review status: criteria provided, conflicting classifications (1 of 4 stars). 2 submissions from 2 submitters: Uncertain significance (1); Likely benign (1). Last evaluated 2025-08-01.

Conditions:
Inborn genetic diseases. Identifiers: MedGen C0950123, MeSH D030342.
Acute myeloid leukemia (AML). Also called: Acute myeloid leukemia, adult; AML adult; Acute non-lymphocytic leukemia; Acute granulocytic leukemia; Leukemia, acute myeloid, somatic; Leukemia, acute myelogenous, somatic. Identifiers: Orphanet 519, MedGen C0023467, MeSH D015470, MONDO:0018874, OMIM 601626, HP:0004808. Disease mechanism: Constitutively activated FLT3.

Submissions (2):

Ambry Genetics
Classification: Likely benign for Inborn genetic diseases. Last evaluated: 2025-08-01. Review status: criteria provided, single submitter. Criteria: Ambry Variant Classification Scheme 2023. Collection method: clinical testing. Allele origin: germline.

Labcorp Genetics (formerly Invitae), Labcorp
Classification: Uncertain significance for Acute myeloid leukemia. Last evaluated: 2022-10-27. Review status: criteria provided, single submitter. Criteria: Invitae Variant Classification Sherloc (09022015). Collection method: clinical testing. Allele origin: germline.
Comment: This sequence change replaces glycine, which is neutral and non-polar, with arginine, which is basic and polar, at codon 242 of the CEBPA protein (p.Gly242Arg). Algorithms developed to predict the effect of missense changes on protein structure and function (SIFT, PolyPhen-2, Align-GVGD) all suggest that this variant is likely to be tolerated. This variant has not been reported in the literature in individuals affected with CEBPA-related conditions. This variant is not present in population databases (gnomAD no frequency). In summary, the available evidence is currently insufficient to determine the role of this variant in disease. Therefore, it has been classified as a Variant of Uncertain Significance.

NM_004364.5(CEBPA):c.724G>C (p.Gly242Arg)

Gene: CEBPA (CCAAT enhancer binding protein alpha; minus strand). Cytogenetic location: 19q13.11.
Variant type: single nucleotide variant.
Coding change: c.724G>C on transcript NM_004364.5 (MANE Select); coding-DNA position 724, G replaced by C.
Protein change: p.Gly242Arg; replaces glycine 242 with arginine.
Molecular consequence: missense variant.
Genome position (GRCh38, 1-based): chr19:33,301,691, C>G on the plus strand (G>C on the coding strand, the complement: CEBPA is on the minus strand). VCF-style: chr19-33301691-C-G. GRCh37 (hg19) VCF-style: chr19-33792597-C-G.
Other names: c.367G>C, p.Gly123Arg (NM_001285829.2); c.829G>C, p.Gly277Arg (NM_001287424.2); c.682G>C, p.Gly228Arg (NM_001287435.2); short protein forms G228R, G123R, G277R, G242R.
Identifiers: ClinVar variation 1935493 (VCV001935493.6), dbSNP rs530569305, ClinGen allele CA405274341.